The following is an entry in ClinVar:

NM_001376.5(DYNC1H1):c.6026G>T (p.Ser2009Ile)

Gene: DYNC1H1 (dynein cytoplasmic 1 heavy chain 1; plus strand). Cytogenetic location: 14q32.31.
Variant type: single nucleotide variant.
Coding change: c.6026G>T on transcript NM_001376.5 (MANE Select); coding-DNA position 6026, G replaced by T.
Protein change: p.Ser2009Ile; replaces serine 2009 with isoleucine.
Molecular consequence: missense variant.
Genome position (GRCh38, 1-based): chr14:102,009,891, G>T. VCF-style: chr14-102009891-G-T. GRCh37 (hg19) VCF-style: chr14-102476228-G-T.
Other names: short protein forms S2009I.
Identifiers: ClinVar variation 2838696 (VCV002838696.3), dbSNP rs2503750780, ClinGen allele CA391052643.

ClinVar aggregate classification (germline): Uncertain significance (1 of 4 stars; one submission).

Conditions:
Charcot-Marie-Tooth disease axonal type 2O. Also called: CHARCOT-MARIE-TOOTH NEUROPATHY, AXONAL, TYPE 2O; CHARCOT-MARIE-TOOTH DISEASE, AXONAL, AUTOSOMAL DOMINANT, TYPE 2O; Charcot-Marie-Tooth Neuropathy Type 2O; Charcot-Marie-Tooth disease, axonal, type 20. Identifiers: Orphanet 284232, MedGen C3280220, MONDO:0013644, OMIM 614228.

Submission:

Labcorp Genetics (formerly Invitae), Labcorp
Classification: Uncertain significance for Charcot-Marie-Tooth disease axonal type 2O. Last evaluated: 2023-06-16. Review status: criteria provided, single submitter. Criteria: Invitae Variant Classification Sherloc (09022015). Collection method: clinical testing. Allele origin: germline.
Comment: In summary, the available evidence is currently insufficient to determine the role of this variant in disease. Therefore, it has been classified as a Variant of Uncertain Significance. Advanced modeling of protein sequence and biophysical properties (such as structural, functional, and spatial information, amino acid conservation, physicochemical variation, residue mobility, and thermodynamic stability) has been performed at Invitae for this missense variant, however the output from this modeling did not meet the statistical confidence thresholds required to predict the impact of this variant on DYNC1H1 protein function. This variant has not been reported in the literature in individuals affected with DYNC1H1-related conditions. This variant is not present in population databases (gnomAD no frequency). This sequence change replaces serine, which is neutral and polar, with isoleucine, which is neutral and non-polar, at codon 2009 of the DYNC1H1 protein (p.Ser2009Ile).